The following is an entry in ClinVar:

ClinVar aggregate classification (germline): Likely benign (1 of 4 stars; one submission).

gnomAD v4.1: 1 of 1,557,386 alleles (0.000064%); no homozygotes.

Submission:

CeGaT Center for Human Genetics Tuebingen
Classification: Likely benign. Last evaluated: 2026-05-01. Review status: criteria provided, single submitter. Criteria: CeGaT Center For Human Genetics Tuebingen Variant Classification Criteria Version 2. Collection method: clinical testing. Allele origin: germline. Affected: yes. Observed: 1 variant allele.
Comment: KDM6B: BP4, BP7

NM_001348716.2(KDM6B):c.4110C>T (p.Ile1370=)

Genes: KDM6B (lysine demethylase 6B; plus strand), LOC121587574 (Sharpr-MPRA regulatory region 3930; plus strand). Cytogenetic location: 17p13.1.
Variant type: single nucleotide variant.
Coding change: c.4110C>T on transcript NM_001348716.2 (MANE Select); coding-DNA position 4110, C replaced by T.
Protein change: p.Ile1370=; no amino-acid change (isoleucine 1370 retained).
Molecular consequence: synonymous variant.
Genome position (GRCh38, 1-based): chr17:7,851,741, C>T. VCF-style: chr17-7851741-C-T. GRCh37 (hg19) VCF-style: chr17-7755059-C-T.
Other names: c.4110C>T, p.Ile1370= (NM_001080424.2).
Identifiers: ClinVar variation 4874018 (VCV004874018.2).